The following is an entry in ClinVar:

ClinVar aggregate classification (germline): Pathogenic (1 of 4 stars; one submission).

Submission:

Labcorp Genetics (formerly Invitae), Labcorp
Classification: Pathogenic. Last evaluated: 2022-12-22. Review status: criteria provided, single submitter. Criteria: Invitae Variant Classification Sherloc (09022015). Collection method: clinical testing. Allele origin: germline.
Comment: For these reasons, this variant has been classified as Pathogenic. This variant has not been reported in the literature in individuals affected with PHEX-related conditions. This variant is not present in population databases (gnomAD no frequency). This sequence change creates a premature translational stop signal (p.Glu499*) in the PHEX gene. It is expected to result in an absent or disrupted protein product. Loss-of-function variants in PHEX are known to be pathogenic (PMID: 9097956, 9106524, 19219621).

Literature cited by the submitters: PubMed 9097956; PubMed 9106524; PubMed 19219621.

NM_000444.6(PHEX):c.1495G>T (p.Glu499Ter)

Gene: PHEX (phosphate regulating endopeptidase X-linked; plus strand). Cytogenetic location: Xp22.11.
Variant type: single nucleotide variant.
Coding change: c.1495G>T on transcript NM_000444.6 (MANE Select); coding-DNA position 1495, G replaced by T.
Protein change: p.Glu499Ter; replaces glutamic acid 499 with a stop codon.
Molecular consequence: nonsense.
Genome position (GRCh38, 1-based): chrX:22,178,285, G>T. VCF-style: chrX-22178285-G-T. GRCh37 (hg19) VCF-style: chrX-22196402-G-T.
Other names: c.1495G>T, p.Glu499Ter (NM_001282754.2); short protein forms E499*.
Identifiers: ClinVar variation 2823266 (VCV002823266.3), dbSNP rs2518605910, ClinGen allele CA412574799.